The following is an entry in ClinVar:

NM_015570.4(AUTS2):c.2734_2739dup (p.Lys912_Glu913dup)

Gene: AUTS2 (activator of transcription and developmental regulator AUTS2; plus strand). Cytogenetic location: 7q11.22.
Variant type: Duplication.
Coding change: c.2734_2739dup on transcript NM_015570.4 (MANE Select); coding-DNA positions 2734 to 2739, 6 bases duplicated (AAAGAG; older notation c.2734_2739dupAAAGAG).
Protein change: p.Lys912_Glu913dup.
Molecular consequence: inframe insertion.
Genome position (GRCh38, 1-based): chr7:70,789,950-70,789,955, AAAGAG duplicated; duplicating any 6 consecutive bases within chr7:70,789,949-70,789,955 gives the same sequence; the c. name uses the placement nearest the transcript's 3' end. VCF-style (leftmost placement, unchanged base first): chr7-70789948-C-CGAAAGA. GRCh37 (hg19) VCF-style: chr7-70254934-C-CGAAAGA.
Other names: c.2662_2667dup, p.Lys888_Glu889dup (NM_001127231.3); c.2734_2739dupAAAGAG (NM_015570.2, NM_015570.3).
Identifiers: ClinVar variation 422183 (VCV000422183.10), dbSNP rs1554488624, ClinGen allele CA16618555.

ClinVar aggregate classification (germline): Uncertain significance. Review status: criteria provided, multiple submitters, no conflicts (2 of 4 stars). 3 submissions from 3 submitters: Uncertain significance (3). Last evaluated 2025-04-03.

Submissions (3):

GeneDx
Classification: Uncertain significance. Last evaluated: 2025-04-03. Review status: criteria provided, single submitter. Criteria: GeneDx Variant Classification Process June 2021. Collection method: clinical testing. Allele origin: germline. Affected: yes.
Comment: In-frame duplication of 2 amino acids in a non-repeat region; Has not been previously published as pathogenic or benign to our knowledge

Labcorp Genetics (formerly Invitae), Labcorp
Classification: Uncertain significance. Last evaluated: 2024-12-31. Review status: criteria provided, single submitter. Criteria: Invitae Variant Classification Sherloc (09022015). Collection method: clinical testing. Allele origin: germline.
Comment: This variant, c.2734_2739dup, results in the insertion of 2 amino acid(s) of the AUTS2 protein (p.Lys912_Glu913dup), but otherwise preserves the integrity of the reading frame. This variant is present in population databases (no rsID available, gnomAD 0.003%). This variant has not been reported in the literature in individuals affected with AUTS2-related conditions. ClinVar contains an entry for this variant (Variation ID: 422183). In summary, the available evidence is currently insufficient to determine the role of this variant in disease. Therefore, it has been classified as a Variant of Uncertain Significance.

Women's Health and Genetics/Laboratory Corporation of America, LabCorp
Classification: Uncertain significance. Last evaluated: 2023-04-28. Review status: criteria provided, single submitter. Criteria: LabCorp Variant Classification Summary - May 2015. Collection method: clinical testing. Allele origin: germline.
Comment: Variant summary: AUTS2 c.2734_2739dupAAAGAG (p.Lys912_Glu913dup) results in an in-frame duplication that is predicted to duplicate two amino acids into the encoded protein. The variant allele was found at a frequency of 4e-06 in 248718 control chromosomes (gnomAD). The available data on variant occurrences in the general population are insufficient to allow any conclusion about variant significance. To our knowledge, no occurrence of c.2734_2739dupAAAGAG in individuals affected with Autism Spectrum Disorder Due To AUTS2 Deficiency and no experimental evidence demonstrating its impact on protein function have been reported. One clinical diagnostic laboratory has submitted clinical-significance assessments for this variant to ClinVar after 2014 without evidence for independent evaluation. One laboratory classified the variant as uncertain significance. Based on the evidence outlined above, the variant was classified as uncertain significance.